The following is an entry in ClinVar:

NM_000062.3(SERPING1):c.1261T>A (p.Phe421Ile)

Gene: SERPING1 (serpin family G member 1; plus strand). Cytogenetic location: 11q12.1.
Variant type: single nucleotide variant.
Coding change: c.1261T>A on transcript NM_000062.3 (MANE Select); coding-DNA position 1261, T replaced by A.
Protein change: p.Phe421Ile; replaces phenylalanine 421 with isoleucine.
Molecular consequence: missense variant.
Genome position (GRCh38, 1-based): chr11:57,614,339, T>A. VCF-style: chr11-57614339-T-A. GRCh37 (hg19) VCF-style: chr11-57381812-T-A.
Other names: c.1261T>A, p.Phe421Ile (NM_001032295.2); short protein forms F421I.
Identifiers: ClinVar variation 2047029 (VCV002047029.4), dbSNP rs1945512433, ClinGen allele CA380690172.

ClinVar aggregate classification (germline): Uncertain significance (1 of 4 stars; one submission).

Allele frequency attached by ClinVar (database versions not stated): gnomAD 0.00001; gnomAD exomes 0.00001.
gnomAD v4.1: 9 of 1,613,764 alleles (0.00056%); highest among the groups gnomAD compares: Non-Finnish European, 0.00076%; no homozygotes.

Submission:

Labcorp Genetics (formerly Invitae), Labcorp
Classification: Uncertain significance. Last evaluated: 2024-10-16. Review status: criteria provided, single submitter. Criteria: Invitae Variant Classification Sherloc (09022015). Collection method: clinical testing. Allele origin: germline.
Comment: This sequence change replaces phenylalanine, which is neutral and non-polar, with isoleucine, which is neutral and non-polar, at codon 421 of the SERPING1 protein (p.Phe421Ile). This variant is not present in population databases (gnomAD no frequency). This variant has not been reported in the literature in individuals affected with SERPING1-related conditions. ClinVar contains an entry for this variant (Variation ID: 2047029). Invitae Evidence Modeling of protein sequence and biophysical properties (such as structural, functional, and spatial information, amino acid conservation, physicochemical variation, residue mobility, and thermodynamic stability) has been performed for this missense variant. However, the output from this modeling did not meet the statistical confidence thresholds required to predict the impact of this variant on SERPING1 protein function. In summary, the available evidence is currently insufficient to determine the role of this variant in disease. Therefore, it has been classified as a Variant of Uncertain Significance.